The following is an entry in ClinVar:

ClinVar aggregate classification (germline): Uncertain significance (1 of 4 stars; one submission).

Conditions:
Baller-Gerold syndrome (BGS). Also called: CRANIOSYNOSTOSIS WITH RADIAL DEFECTS. Identifiers: Orphanet 1225, MedGen C0265308, MONDO:0009039, OMIM 218600.

Submission:

Labcorp Genetics (formerly Invitae), Labcorp
Classification: Uncertain significance for Baller-Gerold syndrome. Last evaluated: 2023-04-24. Review status: criteria provided, single submitter. Criteria: Invitae Variant Classification Sherloc (09022015). Collection method: clinical testing. Allele origin: germline.
Comment: In summary, the available evidence is currently insufficient to determine the role of this variant in disease. Therefore, it has been classified as a Variant of Uncertain Significance. Advanced modeling of protein sequence and biophysical properties (such as structural, functional, and spatial information, amino acid conservation, physicochemical variation, residue mobility, and thermodynamic stability) performed at Invitae indicates that this missense variant is not expected to disrupt RECQL4 protein function. This variant has not been reported in the literature in individuals affected with RECQL4-related conditions. This variant is not present in population databases (gnomAD no frequency). This sequence change replaces leucine, which is neutral and non-polar, with proline, which is neutral and non-polar, at codon 202 of the RECQL4 protein (p.Leu202Pro).

NM_004260.4(RECQL4):c.605T>C (p.Leu202Pro)

Gene: RECQL4 (RecQ like helicase 4; minus strand). Cytogenetic location: 8q24.3.
Variant type: single nucleotide variant.
Coding change: c.605T>C on transcript NM_004260.4 (MANE Select); coding-DNA position 605, T replaced by C.
Protein change: p.Leu202Pro; replaces leucine 202 with proline.
Molecular consequence: missense variant. On other transcripts: 5 prime UTR variant (15), non-coding transcript variant (3), intron variant (3).
Genome position (GRCh38, 1-based): chr8:144,516,514, A>G on the plus strand (T>C on the coding strand, the complement: RECQL4 is on the minus strand). VCF-style: chr8-144516514-A-G. GRCh37 (hg19) VCF-style: chr8-145741898-A-G.
Other names: c.605T>C, p.Leu202Pro (NM_001413017.1, NM_001413018.1, NM_001413019.1 and 4 more transcripts); c.-467T>C (NM_001413022.1, NM_001413023.1, NM_001413024.1 and 5 more transcripts); c.476T>C, p.Leu159Pro (NM_001413025.1); c.-529T>C (NM_001413027.1, NM_001413030.1, NM_001413031.1 and 2 more transcripts); c.-371T>C (NM_001413034.1); c.-736T>C (NM_001413043.1); c.355-101T>C (NM_001413029.1); c.-366-101T>C (NM_001413021.1, NM_001413028.1); short protein forms L202P, L159P.
Identifiers: ClinVar variation 2820228 (VCV002820228.3), dbSNP rs2538095439, ClinGen allele CA372690105.